The following is an entry in ClinVar:

NM_014425.5(INVS):c.319T>G (p.Trp107Gly)

Gene: INVS (inversin; plus strand). Cytogenetic location: 9q31.1.
Variant type: single nucleotide variant.
Coding change: c.319T>G on transcript NM_014425.5 (MANE Select); coding-DNA position 319, T replaced by G.
Protein change: p.Trp107Gly; replaces tryptophan 107 with glycine.
Molecular consequence: missense variant. On other transcripts: 5 prime UTR variant (1), non-coding transcript variant (1).
Genome position (GRCh38, 1-based): chr9:100,226,107, T>G. VCF-style: chr9-100226107-T-G. GRCh37 (hg19) VCF-style: chr9-102988389-T-G.
Other names: c.31T>G, p.Trp11Gly (NM_001318381.2); c.-671T>G (NM_001318382.2); short protein forms W107G, W11G.
Identifiers: ClinVar variation 1369517 (VCV001369517.8), dbSNP rs1831309953, ClinGen allele CA374359107.

ClinVar aggregate classification (germline): Uncertain significance (1 of 4 stars; one submission).

Conditions:
Nephronophthisis. Also called: Juvenile Nephronophthisis. Identifiers: Orphanet 655, MedGen C0687120, MONDO:0019005, HP:0000090.

Allele frequency attached by ClinVar (database versions not stated): gnomAD 0.00001.
gnomAD v4.1: 1 of 1,613,780 alleles (0.000062%); highest among the groups gnomAD compares: Admixed American, 0.0017%; no homozygotes.

Submission:

Labcorp Genetics (formerly Invitae), Labcorp
Classification: Uncertain significance for Nephronophthisis. Last evaluated: 2022-05-27. Review status: criteria provided, single submitter. Criteria: Invitae Variant Classification Sherloc (09022015). Collection method: clinical testing. Allele origin: germline.
Comment: In summary, the available evidence is currently insufficient to determine the role of this variant in disease. Therefore, it has been classified as a Variant of Uncertain Significance. Algorithms developed to predict the effect of missense changes on protein structure and function are either unavailable or do not agree on the potential impact of this missense change (SIFT: "Deleterious"; PolyPhen-2: "Possibly Damaging"; Align-GVGD: "Class C0"). This variant has not been reported in the literature in individuals affected with INVS-related conditions. This variant is not present in population databases (gnomAD no frequency). This sequence change replaces tryptophan, which is neutral and slightly polar, with glycine, which is neutral and non-polar, at codon 107 of the INVS protein (p.Trp107Gly).